The following is an entry in ClinVar:

ClinVar aggregate classification (germline): Uncertain significance (1 of 4 stars; one submission).

Allele frequency attached by ClinVar (database versions not stated): gnomAD 0.00001.
gnomAD v4.1: 1 of 1,613,856 alleles (0.000062%); highest among the groups gnomAD compares: Non-Finnish European, 0.000085%; no homozygotes.

Submission:

GeneDx
Classification: Uncertain significance. Last evaluated: 2021-04-15. Review status: criteria provided, single submitter. Criteria: GeneDx Variant Classification Process June 2021. Collection method: clinical testing. Allele origin: germline. Affected: yes.
Comment: Not observed in large population cohorts (Lek et al., 2016); In silico analysis supports that this missense variant does not alter protein structure/function; Has not been previously published as pathogenic or benign to our knowledge

NM_003922.4(HERC1):c.4430C>T (p.Thr1477Ile)

Gene: HERC1 (HECT and RLD domain containing E3 ubiquitin protein ligase family member 1; minus strand). Cytogenetic location: 15q22.31.
Variant type: single nucleotide variant.
Coding change: c.4430C>T on transcript NM_003922.4 (MANE Select); coding-DNA position 4430, C replaced by T.
Protein change: p.Thr1477Ile; replaces threonine 1477 with isoleucine.
Molecular consequence: missense variant.
Genome position (GRCh38, 1-based): chr15:63,713,386, G>A on the plus strand (C>T on the coding strand, the complement: HERC1 is on the minus strand). VCF-style: chr15-63713386-G-A. GRCh37 (hg19) VCF-style: chr15-64005585-G-A.
Other names: short protein forms T1477I.
Identifiers: ClinVar variation 1327275 (VCV001327275.2), dbSNP rs2073401023, ClinGen allele CA392752739.